The following is an entry in ClinVar:

ClinVar aggregate classification (germline): Uncertain significance (1 of 4 stars; one submission).

Conditions:
Mevalonic aciduria (MEVA). Identifiers: Orphanet 29, MedGen C1959626, MONDO:0012481, OMIM 610377.
Hyperimmunoglobulin D with periodic fever (HIDS). Also called: Hyperimmunoglobulinemia D; Hyperimmunoglobulinemia D with periodic fever; HYPERIMMUNOGLOBULINEMIA D AND PERIODIC FEVER SYNDROME. Identifiers: Orphanet 343, MedGen C0398691, MONDO:0009849, OMIM 260920.
Porokeratosis 3, disseminated superficial actinic type (POROK3). Also called: POROKERATOSIS, DISSEMINATED SUPERFICIAL ACTINIC, 1; POROKERATOSIS 3, MULTIPLE TYPES; POROKERATOSIS 3, MIBELLI TYPE. Identifiers: MedGen C1867981, MONDO:0008293, OMIM 175900.

Allele frequency attached by ClinVar (database versions not stated): TOPMed below 0.00001; gnomAD exomes 0.00001.
gnomAD v4.1: 16 of 1,614,232 alleles (0.00099%); highest among the groups gnomAD compares: African/African-American, 0.0013%; no homozygotes.

Submission:

Labcorp Genetics (formerly Invitae), Labcorp
Classification: Uncertain significance for Mevalonic aciduria; Hyperimmunoglobulin D with periodic fever; Porokeratosis 3, disseminated superficial actinic type. Last evaluated: 2026-01-27. Review status: criteria provided, single submitter. Criteria: Invitae Variant Classification Sherloc (09022015). Collection method: clinical testing. Allele origin: germline.
Comment: This sequence change replaces glutamic acid, which is acidic and polar, with lysine, which is basic and polar, at codon 105 of the MVK protein (p.Glu105Lys). This variant is present in population databases (no rsID available, gnomAD 0.0009%). This variant has not been reported in the literature in individuals affected with MVK-related conditions. ClinVar contains an entry for this variant (Variation ID: 1431382). An algorithm developed to predict the effect of missense changes on protein structure and function outputs the following: PolyPhen-2: "Benign". The lysine amino acid residue is found in multiple mammalian species, which suggests that this missense change does not adversely affect protein function. In summary, the available evidence is currently insufficient to determine the role of this variant in disease. Therefore, it has been classified as a Variant of Uncertain Significance.

NM_000431.4(MVK):c.313G>A (p.Glu105Lys)

Gene: MVK (mevalonate kinase; plus strand). Cytogenetic location: 12q24.11.
Variant type: single nucleotide variant.
Coding change: c.313G>A on transcript NM_000431.4 (MANE Select); coding-DNA position 313, G replaced by A.
Protein change: p.Glu105Lys; replaces glutamic acid 105 with lysine.
Molecular consequence: missense variant.
Genome position (GRCh38, 1-based): chr12:109,579,888, G>A. VCF-style: chr12-109579888-G-A. GRCh37 (hg19) VCF-style: chr12-110017693-G-A.
Other names: c.313G>A, p.Glu105Lys (NM_001114185.3, NM_001301182.2); short protein forms E105K.
Identifiers: ClinVar variation 1431382 (VCV001431382.5), dbSNP rs1458440007, ClinGen allele CA386645576.
Genomic context (GRCh38, chr12:109,579,888, plus strand): 5'-TCAGAGCAAGTGGAGAAGCTAAAGGAGGTTGCAGGCTTGCCTGACGACTGTGCTGTCACC[G>A]AGCGCCTGGCTGTGCTGGCCTTTCTTTACTTATACCTGTCCATCTGCCGGAAGCAGAGGT-3'
Protein context (NP_000422.1, residues 95-115): AGLPDDCAVT[Glu105Lys]RLAVLAFLYL